The following is an entry in ClinVar:

ClinVar aggregate classification (germline): Uncertain significance (1 of 4 stars; one submission).

Conditions:
X-linked agammaglobulinemia with growth hormone deficiency (IGHD3). Also called: FLEISHER SYNDROME; ISOLATED GROWTH HORMONE DEFICIENCY, TYPE III, WITH AGAMMAGLOBULINEMIA; HYPOGAMMAGLOBULINEMIA AND ISOLATED GROWTH HORMONE DEFICIENCY, X-LINKED; IGHD III; Isolated growth hormone deficiency type 3; Growth hormone deficiency with hypogammaglobulinemia. Identifiers: Orphanet 231692, Orphanet 631, MedGen C0472813, MONDO:0010615, OMIM 307200.

Allele frequency attached by ClinVar (database versions not stated): gnomAD exomes below 0.00001; ExAC 0.00001.
gnomAD v4.1: 3 of 1,211,902 alleles (0.00025%); highest among the groups gnomAD compares: East Asian, 0.003%; no homozygotes.

Submission:

Labcorp Genetics (formerly Invitae), Labcorp
Classification: Uncertain significance for X-linked agammaglobulinemia with growth hormone deficiency. Last evaluated: 2022-09-26. Review status: criteria provided, single submitter. Criteria: Invitae Variant Classification Sherloc (09022015). Collection method: clinical testing. Allele origin: germline.
Comment: This variant has not been reported in the literature in individuals affected with BTK-related conditions. This variant is present in population databases (rs782303652, gnomAD 0.008%), including at least one homozygous and/or hemizygous individual. This sequence change replaces proline, which is neutral and non-polar, with serine, which is neutral and polar, at codon 340 of the BTK protein (p.Pro340Ser). In summary, the available evidence is currently insufficient to determine the role of this variant in disease. Therefore, it has been classified as a Variant of Uncertain Significance. Advanced modeling of protein sequence and biophysical properties (such as structural, functional, and spatial information, amino acid conservation, physicochemical variation, residue mobility, and thermodynamic stability) performed at Invitae indicates that this missense variant is not expected to disrupt BTK protein function.

NM_000061.3(BTK):c.1018C>T (p.Pro340Ser)

Gene: BTK (Bruton tyrosine kinase; minus strand). Cytogenetic location: Xq22.1.
Variant type: single nucleotide variant.
Coding change: c.1018C>T on transcript NM_000061.3 (MANE Select); coding-DNA position 1018, C replaced by T.
Protein change: p.Pro340Ser; replaces proline 340 with serine.
Molecular consequence: missense variant.
Genome position (GRCh38, 1-based): chrX:101,358,394, G>A on the plus strand (C>T on the coding strand, the complement: BTK is on the minus strand). VCF-style: chrX-101358394-G-A. GRCh37 (hg19) VCF-style: chrX-100613382-G-A.
Other names: c.1120C>T, p.Pro374Ser (NM_001287344.2); c.1018C>T, p.Pro340Ser (NM_001287345.2); short protein forms P340S, P374S.
Identifiers: ClinVar variation 2124317 (VCV002124317.4), dbSNP rs782303652, ClinGen allele CA10473072.